The following is an entry in ClinVar:

ClinVar aggregate classification (germline): Uncertain significance (1 of 4 stars; one submission).

gnomAD v4.1: 5 of 1,611,734 alleles (0.00031%); highest among the groups gnomAD compares: Non-Finnish European, 0.00042%; no homozygotes.

Submission:

Labcorp Genetics (formerly Invitae), Labcorp
Classification: Uncertain significance. Last evaluated: 2024-03-13. Review status: criteria provided, single submitter. Criteria: Invitae Variant Classification Sherloc (09022015). Collection method: clinical testing. Allele origin: germline.
Comment: This sequence change replaces asparagine, which is neutral and polar, with histidine, which is basic and polar, at codon 597 of the HELLS protein (p.Asn597His). This variant is present in population databases (rs773891544, gnomAD 0.002%). This variant has not been reported in the literature in individuals affected with HELLS-related conditions. An algorithm developed to predict the effect of missense changes on protein structure and function (PolyPhen-2) suggests that this variant¬†is likely to be tolerated. In summary, the available evidence is currently insufficient to determine the role of this variant in disease. Therefore, it has been classified as a Variant of Uncertain Significance.

NM_018063.5(HELLS):c.1789A>C (p.Asn597His)

Gene: HELLS (helicase, lymphoid specific; plus strand). Cytogenetic location: 10q23.33.
Variant type: single nucleotide variant.
Coding change: c.1789A>C on transcript NM_018063.5 (MANE Select); coding-DNA position 1789, A replaced by C.
Protein change: p.Asn597His; replaces asparagine 597 with histidine.
Molecular consequence: missense variant.
Genome position (GRCh38, 1-based): chr10:94,592,250, A>C. VCF-style: chr10-94592250-A-C. GRCh37 (hg19) VCF-style: chr10-96352007-A-C.
Other names: c.1927A>C, p.Asn643His (NM_001289067.2); c.1741A>C, p.Asn581His (NM_001289068.2); c.1693A>C, p.Asn565His (NM_001289069.2); c.1495A>C, p.Asn499His (NM_001289070.2); c.1417A>C, p.Asn473His (NM_001289071.2); c.1399A>C, p.Asn467His (NM_001289072.2); c.1375A>C, p.Asn459His (NM_001289073.2); c.706A>C, p.Asn236His (NM_001289074.2); and 1 more; short protein forms N191H, N565H, N597H, N643H, N236H, N499H, N467H, N473H.
Identifiers: ClinVar variation 3671896 (VCV003671896.1).